The following is an entry in ClinVar:

ClinVar aggregate classification (germline): Uncertain significance (1 of 4 stars; one submission).

Conditions:
Autoimmune interstitial lung disease-arthritis syndrome. Also called: Autoinflammation and autoimmunity, systemic, with immune dysregulation. Identifiers: Orphanet 444092, MedGen C5975714, MONDO:0014629.

gnomAD v4.1: 2 of 1,612,434 alleles (0.00012%); highest among the groups gnomAD compares: Non-Finnish European, 0.00017%; no homozygotes.

Submission:

Labcorp Genetics (formerly Invitae), Labcorp
Classification: Uncertain significance for Autoimmune interstitial lung disease-arthritis syndrome. Last evaluated: 2026-01-21. Review status: criteria provided, single submitter. Criteria: Invitae Variant Classification Sherloc (09022015). Collection method: clinical testing. Allele origin: germline.
Comment: This sequence change replaces arginine, which is basic and polar, with histidine, which is basic and polar, at codon 160 of the COPA protein (p.Arg160His). This variant is present in population databases (no rsID available, gnomAD no frequency). This variant has not been reported in the literature in individuals affected with COPA-related conditions. Invitae Evidence Modeling of protein sequence and biophysical properties (such as structural, functional, and spatial information, amino acid conservation, physicochemical variation, residue mobility, and thermodynamic stability) indicates that this missense variant is expected to disrupt COPA protein function with a positive predictive value of 80%. In summary, the available evidence is currently insufficient to determine the role of this variant in disease. Therefore, it has been classified as a Variant of Uncertain Significance.

NM_004371.4(COPA):c.479G>A (p.Arg160His)

Gene: COPA (coat protein complex I subunit alpha; minus strand). Cytogenetic location: 1q23.2.
Variant type: single nucleotide variant.
Coding change: c.479G>A on transcript NM_004371.4 (MANE Select); coding-DNA position 479, G replaced by A.
Protein change: p.Arg160His; replaces arginine 160 with histidine.
Molecular consequence: missense variant.
Genome position (GRCh38, 1-based): chr1:160,332,465, C>T on the plus strand (G>A on the coding strand, the complement: COPA is on the minus strand). VCF-style: chr1-160332465-C-T. GRCh37 (hg19) VCF-style: chr1-160302255-C-T.
Other names: c.479G>A, p.Arg160His (NM_001098398.2); short protein forms R160H.
Identifiers: ClinVar variation 4767297 (VCV004767297.1).